The following is an entry in ClinVar:

NM_002838.5(PTPRC):c.686-1G>T

Gene: PTPRC (protein tyrosine phosphatase receptor type C; plus strand). Cytogenetic location: 1q32.1.
Variant type: single nucleotide variant.
Coding change: c.686-1G>T on transcript NM_002838.5 (MANE Select); the canonical splice acceptor site of the intron before coding-DNA position 686, G replaced by T.
Molecular consequence: splice acceptor variant.
Genome position (GRCh38, 1-based): chr1:198,706,733, G>T. VCF-style: chr1-198706733-G-T. GRCh37 (hg19) VCF-style: chr1-198675862-G-T.
Other names: c.203-1G>T (NM_080921.4).
Identifiers: ClinVar variation 2841370 (VCV002841370.3), dbSNP rs2527801028, ClinGen allele CA344032937.

ClinVar aggregate classification (germline): Likely pathogenic (1 of 4 stars; one submission).

Conditions:
Immunodeficiency 104. Also called: Severe combined immunodeficiency, autosomal recessive, T cell-negative, B cell-positive, NK cell-positive; Severe Combined Immune Deficiency, Autosomal Recessive, TCell -Negative, B Cell-Positive, NK Cell-Positive, IL7R-Related; IMMUNODEFICIENCY 104, SEVERE COMBINED; SCID, AUTOSOMAL RECESSIVE, T CELL-NEGATIVE, B CELL-POSITIVE, NK CELL-POSITIVE. Identifiers: MedGen C5676890, MONDO:0012163, OMIM 608971.

Submission:

Labcorp Genetics (formerly Invitae), Labcorp
Classification: Likely pathogenic for Immunodeficiency 104. Last evaluated: 2023-02-27. Review status: criteria provided, single submitter. Criteria: Invitae Variant Classification Sherloc (09022015). Collection method: clinical testing. Allele origin: germline.
Comment: In summary, the currently available evidence indicates that the variant is pathogenic, but additional data are needed to prove that conclusively. Therefore, this variant has been classified as Likely Pathogenic. Algorithms developed to predict the effect of sequence changes on RNA splicing suggest that this variant may disrupt the consensus splice site. This variant has not been reported in the literature in individuals affected with PTPRC-related conditions. This variant is not present in population databases (gnomAD no frequency). This sequence change affects an acceptor splice site in intron 8 of the PTPRC gene. It is expected to disrupt RNA splicing. Variants that disrupt the donor or acceptor splice site typically lead to a loss of protein function (PMID: 16199547), and loss-of-function variants in PTPRC are known to be pathogenic (PMID: 10700239).

Literature cited by the submitters: PubMed 16199547; PubMed 10700239.